The following is an entry in ClinVar:

ClinVar aggregate classification (germline): Conflicting classifications of pathogenicity. Review status: criteria provided, conflicting classifications (1 of 4 stars). 2 submissions from 2 submitters: Likely pathogenic (1); Uncertain significance (1). Last evaluated 2025-09-10.

Conditions:
Hypertrophic cardiomyopathy. Also called: HYPERTROPHIC MYOCARDIOPATHY. Identifiers: Orphanet 217569, MedGen C0007194, MeSH D002312, MONDO:0005045, HP:0001639.
Hypertrophic cardiomyopathy 1 (CMH1). Also called: Familial hypertrophic cardiomyopathy 1; MYH7-Related Familial Hypertrophic Cardiomyopathy. Identifiers: MedGen C3495498, MONDO:0008647, OMIM 192600.

Submissions (2):

Labcorp Genetics (formerly Invitae), Labcorp
Classification: Uncertain significance for Hypertrophic cardiomyopathy. Last evaluated: 2025-09-10. Review status: criteria provided, single submitter. Criteria: Invitae Variant Classification Sherloc (09022015). Collection method: clinical testing. Allele origin: germline.
Comment: This sequence change replaces lysine, which is basic and polar, with arginine, which is basic and polar, at codon 837 of the MYH7 protein (p.Lys837Arg). This variant is not present in population databases (gnomAD no frequency). This variant has not been reported in the literature in individuals affected with MYH7-related conditions. ClinVar contains an entry for this variant (Variation ID: 1333470). Invitae Evidence Modeling of protein sequence and biophysical properties (such as structural, functional, and spatial information, amino acid conservation, physicochemical variation, residue mobility, and thermodynamic stability) indicates that this missense variant is expected to disrupt MYH7 protein function with a positive predictive value of 95%. In summary, the available evidence is currently insufficient to determine the role of this variant in disease. Therefore, it has been classified as a Variant of Uncertain Significance.

3billion
Classification: Likely pathogenic for Hypertrophic cardiomyopathy 1. Last evaluated: 2022-01-03. Review status: criteria provided, single submitter. Criteria: ACMG Guidelines, 2015. Collection method: clinical testing. Allele origin: germline. Affected: yes. Observed: 1 heterozygote.
Comment: The variant is located in a well-established functional domain or exonic hotspot, where pathogenic variants have frequently reported (PM1_M). In silico tool predictions suggest damaging effect of the variant on gene or gene product (REVEL: 0.873, 3CNET: 0.964, PP3_P). It is not observed in the gnomAD v2.1.1 dataset (PM2_M). Therefore, this variant is classified as likely pathogenic according to the recommendation of ACMG/AMP guideline.

NM_000257.4(MYH7):c.2510A>G (p.Lys837Arg)

Genes: MYH7 (myosin heavy chain 7; minus strand), LOC126861898 (BRD4-independent group 4 enhancer GRCh37_chr14:23893609-23894808; plus strand). Cytogenetic location: 14q11.2.
Variant type: single nucleotide variant.
Coding change: c.2510A>G on transcript NM_000257.4 (MANE Select); coding-DNA position 2510, A replaced by G.
Protein change: p.Lys837Arg; replaces lysine 837 with arginine.
Molecular consequence: missense variant.
Genome position (GRCh38, 1-based): chr14:23,424,938, T>C on the plus strand (A>G on the coding strand, the complement: MYH7 is on the minus strand). VCF-style: chr14-23424938-T-C. GRCh37 (hg19) VCF-style: chr14-23894147-T-C.
Other names: short protein forms K837R.
Identifiers: ClinVar variation 1333470 (VCV001333470.2), dbSNP rs1060501439, ClinGen allele CA389048259.
Genomic context (GRCh38, chr14:23,424,938, plus strand): 5'-GTGAACTCCTCCTTCATGGAGGCCATCTCCTTCTCTCTTTCTGCACTCTTCAGCAGCGGC[T>C]TGATCTTGAAGTAGAGCTTCATCCAGGGCCAATTCTTGACCCCCATGAAGGCCCGAATGT-3'
Protein context (NP_000248.2, residues 827-847): WPWMKLYFKI[Lys837Arg]PLLKSAEREK